The following is an entry in ClinVar:

ClinVar aggregate classification (germline): Uncertain significance (1 of 4 stars; one submission).

Allele frequency attached by ClinVar (database versions not stated): ExAC 0.00003; gnomAD 0.00003; TOPMed 0.00006; ESP Exome Variant Server 0.00008; gnomAD exomes 0.00010.

Submission:

Labcorp Genetics (formerly Invitae), Labcorp
Classification: Uncertain significance. Last evaluated: 2025-12-15. Review status: criteria provided, single submitter. Criteria: Invitae Variant Classification Sherloc (09022015). Collection method: clinical testing. Allele origin: germline.
Comment: This sequence change replaces arginine, which is basic and polar, with histidine, which is basic and polar, at codon 263 of the DNM1L protein (p.Arg263His). This variant is present in population databases (rs369600288, gnomAD 0.01%). This variant has not been reported in the literature in individuals affected with DNM1L-related conditions. ClinVar contains an entry for this variant (Variation ID: 2049661). An algorithm developed to predict the effect of missense changes on protein structure and function (PolyPhen-2) suggests that this variant is likely to be tolerated. In summary, the available evidence is currently insufficient to determine the role of this variant in disease. Therefore, it has been classified as a Variant of Uncertain Significance.

NM_012062.5(DNM1L):c.788G>A (p.Arg263His)

Gene: DNM1L (dynamin 1 like; plus strand). Cytogenetic location: 12p11.21.
Variant type: single nucleotide variant.
Coding change: c.788G>A on transcript NM_012062.5 (MANE Select); coding-DNA position 788, G replaced by A.
Protein change: p.Arg263His; replaces arginine 263 with histidine.
Molecular consequence: missense variant.
Genome position (GRCh38, 1-based): chr12:32,720,711, G>A. VCF-style: chr12-32720711-G-A. GRCh37 (hg19) VCF-style: chr12-32873645-G-A.
Other names: c.788G>A, p.Arg263His (NM_001278463.2, NM_005690.5, NM_012063.4); c.827G>A, p.Arg276His (NM_001278464.2, NM_001278465.2, NM_001330380.2); c.179G>A, p.Arg60His (NM_001278466.2); short protein forms R276H, R60H, R263H.
Identifiers: ClinVar variation 2049661 (VCV002049661.4), dbSNP rs369600288, ClinGen allele CA6507415.